The following is an entry in ClinVar:

NM_031885.5(BBS2):c.1795_1796del (p.Lys599fs)

Gene: BBS2 (Bardet-Biedl syndrome 2; minus strand). Cytogenetic location: 16q13.
Variant type: Deletion.
Coding change: c.1795_1796del on transcript NM_031885.5 (MANE Select); coding-DNA positions 1795 to 1796, 2 bases deleted (AA; older notation c.1795_1796delAA).
Protein change: p.Lys599fs; shifts the reading frame from lysine 599.
Molecular consequence: frameshift variant. On other transcripts: non-coding transcript variant (5).
Genome position (GRCh38, 1-based): chr16:56,497,744-56,497,745, TT deleted on the plus strand (AA on the coding strand, the reverse complement: BBS2 is on the minus strand). VCF-style (leftmost placement, unchanged base first): chr16-56497743-CTT-C. GRCh37 (hg19) VCF-style: chr16-56531655-CTT-C.
Other names: c.1795_1796del, p.Lys599fs (NM_001377456.1); short protein forms K599fs.
Identifiers: ClinVar variation 1725258 (VCV001725258.2), dbSNP rs2543698172, ClinGen allele CA2580091639.

ClinVar aggregate classification (germline): Likely pathogenic (1 of 4 stars; one submission).

Conditions:
Bardet-Biedl syndrome 2 (BBS2). Identifiers: Orphanet 110, MedGen C2936863, MONDO:0014432, OMIM 615981.

Submission:

Myriad Genetics, Inc.
Classification: Likely pathogenic for Bardet-Biedl syndrome 2. Last evaluated: 2022-03-15. Review status: criteria provided, single submitter. Criteria: Myriad Women's Health Autosomal Recessive and X-Linked Classification Criteria (2021). Collection method: clinical testing. Allele origin: unknown.
Comment: NM_031885.3(BBS2):c.1795_1796delAA(K599Gfs*3) is expected to be pathogenic in the context of Bardet-Biedl syndrome, BBS2-related. This variant is predicted to lead to an abnormal or absent protein product due to the creation of a premature termination codon in BBS2, a gene where loss-of-function variants are known to be pathogenic. Please note: this variant was assessed in the context of healthy population screening.